The following is an entry in ClinVar:

NM_002838.5(PTPRC):c.1705C>T (p.His569Tyr)

Gene: PTPRC (protein tyrosine phosphatase receptor type C; plus strand). Cytogenetic location: 1q32.1.
Variant type: single nucleotide variant.
Coding change: c.1705C>T on transcript NM_002838.5 (MANE Select); coding-DNA position 1705, C replaced by T.
Protein change: p.His569Tyr; replaces histidine 569 with tyrosine.
Molecular consequence: missense variant.
Genome position (GRCh38, 1-based): chr1:198,722,461, C>T. VCF-style: chr1-198722461-C-T. GRCh37 (hg19) VCF-style: chr1-198691590-C-T.
Other names: c.1222C>T, p.His408Tyr (NM_080921.4); short protein forms H408Y, H569Y.
Identifiers: ClinVar variation 1019136 (VCV001019136.11), dbSNP rs141099643, ClinGen allele CA1314869.

ClinVar aggregate classification (germline): Conflicting classifications of pathogenicity. Review status: criteria provided, conflicting classifications (1 of 4 stars). 3 submissions from 3 submitters: Uncertain significance (2); Likely benign (1). Last evaluated 2023-11-24.

Conditions:
Immunodeficiency 104. Also called: Severe Combined Immune Deficiency, Autosomal Recessive, TCell -Negative, B Cell-Positive, NK Cell-Positive, IL7R-Related; IMMUNODEFICIENCY 104, SEVERE COMBINED; SCID, AUTOSOMAL RECESSIVE, T CELL-NEGATIVE, B CELL-POSITIVE, NK CELL-POSITIVE; Severe combined immunodeficiency, autosomal recessive, T cell-negative, B cell-positive, NK cell-positive. Identifiers: MedGen C5676890, MONDO:0012163, OMIM 608971.

Allele frequency attached by ClinVar (database versions not stated): gnomAD exomes 0.00001 and 0.00004; ExAC 0.00002; gnomAD 0.00003; TOPMed 0.00004; ESP Exome Variant Server 0.00015.
gnomAD v4.1: 59 of 1,463,458 alleles (0.004%); highest among the groups gnomAD compares: Middle Eastern, 0.02%; no homozygotes.

Submissions (3):

Blueprint Genetics
Classification: Likely benign. Last evaluated: 2023-11-24. Review status: criteria provided, single submitter. Criteria: ACMG Guidelines, 2015. Collection method: clinical testing. Allele origin: germline.

Labcorp Genetics (formerly Invitae), Labcorp
Classification: Uncertain significance for Immunodeficiency 104. Last evaluated: 2020-06-30. Review status: criteria provided, single submitter. Criteria: Invitae Variant Classification Sherloc (09022015). Collection method: clinical testing. Allele origin: germline.
Comment: Algorithms developed to predict the effect of missense changes on protein structure and function output the following: SIFT: "Tolerated"; PolyPhen-2: "Benign"; Align-GVGD: "Class C0". The tyrosine amino acid residue is found in multiple mammalian species, suggesting that this missense change does not adversely affect protein function. These predictions have not been confirmed by published functional studies and their clinical significance is uncertain. In summary, the available evidence is currently insufficient to determine the role of this variant in disease. Therefore, it has been classified as a Variant of Uncertain Significance. This variant has not been reported in the literature in individuals with PTPRC-related conditions. This variant is present in population databases (rs141099643, ExAC 0.003%). This sequence change replaces histidine with tyrosine at codon 569 of the PTPRC protein (p.His569Tyr). The histidine residue is weakly conserved and there is a moderate physicochemical difference between histidine and tyrosine.

Breakthrough Genomics
Classification: Uncertain significance. Review status: criteria provided, single submitter. Criteria: ACMG Guidelines, 2015. Collection method: not provided. Allele origin: germline. Inheritance: Autosomal recessive inheritance. Affected: yes.